The following is an entry in ClinVar:

ClinVar aggregate classification (germline): Likely benign (0 of 4 stars; one submission).

Conditions:
BMP4-related disorder. Also called: BMP4-related condition.

Submission:

PreventionGenetics, part of Exact Sciences
Classification: Likely benign for BMP4-related condition. Last evaluated: 2024-01-15. Review status: no assertion criteria provided. Collection method: clinical testing. Allele origin: germline.
Comment: This variant is classified as likely benign based on ACMG/AMP sequence variant interpretation guidelines (Richards et al. 2015 PMID: 25741868, with internal and published modifications).

NM_001202.6(BMP4):c.1176G>A (p.Val392=)

Gene: BMP4 (bone morphogenetic protein 4; minus strand). Cytogenetic location: 14q22.2.
Variant type: single nucleotide variant.
Coding change: c.1176G>A on transcript NM_001202.6 (MANE Select); coding-DNA position 1176, G replaced by A.
Protein change: p.Val392=; no amino-acid change (valine 392 retained).
Molecular consequence: synonymous variant.
Genome position (GRCh38, 1-based): chr14:53,950,083, C>T on the plus strand (G>A on the coding strand, the complement: BMP4 is on the minus strand). VCF-style: chr14-53950083-C-T. GRCh37 (hg19) VCF-style: chr14-54416801-C-T.
Other names: c.1317G>A, p.Val439= (NM_001347912.1); c.987G>A, p.Val329= (NM_001347913.2, NM_001347915.2, NM_001347917.1); c.1176G>A, p.Val392= (NM_001347914.2, NM_001347916.1, NM_130850.5 and 1 more transcripts).
Identifiers: ClinVar variation 3032625 (VCV003032625.2), dbSNP rs1248669414, ClinGen allele CA486480097.